The following is an entry in ClinVar:

NM_017866.6(TMEM70):c.613G>T (p.Ala205Ser)

Gene: TMEM70 (transmembrane protein 70; plus strand). Cytogenetic location: 8q21.11.
Variant type: single nucleotide variant.
Coding change: c.613G>T on transcript NM_017866.6 (MANE Select); coding-DNA position 613, G replaced by T.
Protein change: p.Ala205Ser; replaces alanine 205 with serine.
Molecular consequence: missense variant. On other transcripts: 3 prime UTR variant (1), non-coding transcript variant (1).
Genome position (GRCh38, 1-based): chr8:73,981,451, G>T. VCF-style: chr8-73981451-G-T. GRCh37 (hg19) VCF-style: chr8-74893686-G-T.
Other names: c.*303G>T (NM_001040613.3); short protein forms A205S.
Identifiers: ClinVar variation 654240 (VCV000654240.8), dbSNP rs146178894, ClinGen allele CA4784081.
Genomic context (GRCh38, chr8:73,981,451, plus strand): 5'-AATGCTATGCTTGCAGAAACGAGTACAGTGTTTCACCAGAATGATGTGAAGATTCCAGAT[G>T]CTAAACATGTATTTACCACATTTTATGCTAAAACAAAATCACTGTTAGTTAATCCAGTGC-3'
Protein context (NP_060336.3, residues 195-215): FHQNDVKIPD[Ala205Ser]KHVFTTFYAK

ClinVar aggregate classification (germline): Uncertain significance. Review status: criteria provided, multiple submitters, no conflicts (2 of 4 stars). 2 submissions from 2 submitters: Uncertain significance (2). Last evaluated 2022-07-27.

Conditions:
Mitochondrial complex V (ATP synthase) deficiency, nuclear type 2. Also called: Nuclear-Encoded ATPase Deficiency, TMEM70-Related; ENCEPHALOCARDIOMYOPATHY, MITOCHONDRIAL, NEONATAL, DUE TO ATP SYNTHASE DEFICIENCY; MITOCHONDRIAL COMPLEX V (ATP SYNTHASE) DEFICIENCY, TMEM70 TYPE. Identifiers: Orphanet 1194, MedGen C3279699, MONDO:0013546, OMIM 614052.

Allele frequency attached by ClinVar (database versions not stated): gnomAD exomes below 0.00001; ExAC 0.00002; gnomAD 0.00002; TOPMed 0.00004; ESP Exome Variant Server 0.00015.
gnomAD v4.1: 4 of 1,614,048 alleles (0.00025%); highest among the groups gnomAD compares: African/African-American, 0.004%; no homozygotes.

Submissions (2):

GeneDx
Classification: Uncertain significance. Last evaluated: 2022-07-27. Review status: criteria provided, single submitter. Criteria: GeneDx Variant Classification Process June 2021. Collection method: clinical testing. Allele origin: germline. Affected: yes.
Comment: Not observed at significant frequency in large population cohorts (gnomAD); In silico analysis supports that this missense variant does not alter protein structure/function; Has not been previously published as pathogenic or benign to our knowledge

Labcorp Genetics (formerly Invitae), Labcorp
Classification: Uncertain significance for Mitochondrial complex V (ATP synthase) deficiency, nuclear type 2. Last evaluated: 2022-05-21. Review status: criteria provided, single submitter. Criteria: Invitae Variant Classification Sherloc (09022015). Collection method: clinical testing. Allele origin: germline.
Comment: This sequence change replaces alanine, which is neutral and non-polar, with serine, which is neutral and polar, at codon 205 of the TMEM70 protein (p.Ala205Ser). This variant is present in population databases (rs146178894, gnomAD 0.01%). This variant has not been reported in the literature in individuals affected with TMEM70-related conditions. ClinVar contains an entry for this variant (Variation ID: 654240). Algorithms developed to predict the effect of missense changes on protein structure and function output the following: SIFT: "Tolerated"; PolyPhen-2: "Benign"; Align-GVGD: "Class C0". The serine amino acid residue is found in multiple mammalian species, which suggests that this missense change does not adversely affect protein function. In summary, the available evidence is currently insufficient to determine the role of this variant in disease. Therefore, it has been classified as a Variant of Uncertain Significance.